The following is an entry in ClinVar:

ClinVar aggregate classification (germline): Conflicting classifications of pathogenicity. Review status: criteria provided, conflicting classifications (1 of 4 stars). 2 submissions from 2 submitters: Likely pathogenic (1); Uncertain significance (1). Last evaluated 2025-06-24.

Conditions:
Neuronopathy, distal hereditary motor, autosomal recessive 8. Also called: NEUROPATHY, DISTAL HEREDITARY MOTOR, AUTOSOMAL RECESSIVE 8; SORBITOL DEHYDROGENASE DEFICIENCY WITH PERIPHERAL NEUROPATHY; SORBITOL DEHYDROGENASE DEFICIENCY. Identifiers: Orphanet 700508, MedGen C5394466, MONDO:0030055, OMIM 618912.
Inborn genetic diseases. Identifiers: MedGen C0950123, MeSH D030342.

Allele frequency attached by ClinVar (database versions not stated): ExAC 0.00003; TOPMed 0.00004; gnomAD exomes 0.00005; gnomAD 0.00006.
gnomAD v4.1: 87 of 1,613,502 alleles (0.0054%); highest among the groups gnomAD compares: Middle Eastern, 0.033%; no homozygotes.

Submissions (2):

Ambry Genetics
Classification: Likely pathogenic for Inborn genetic diseases. Last evaluated: 2025-06-24. Review status: criteria provided, single submitter. Criteria: Ambry Variant Classification Scheme 2023. Collection method: clinical testing. Allele origin: germline.
Comment: The c.553G>A (p.G185R) alteration is located in exon 6 (coding exon 6) of the SORD gene. This alteration results from a G to A substitution at nucleotide position 553, causing the glycine (G) at amino acid position 185 to be replaced by an arginine (R). Based on data from gnomAD, the A allele has an overall frequency of 0.004% (11/282778) total alleles studied. The highest observed frequency was 0.007% (9/129082) of European (non-Finnish) alleles. This variant has been identified in conjunction with other SORD variants in individuals with features consistent with SORD-related neuropathy (La&scaron;&scaron;uthov&aacute;, 2021; Pons, 2023). This amino acid position is highly conserved in available vertebrate species. This alteration is predicted to be deleterious by in silico analysis. Based on the available evidence, this alteration is classified as likely pathogenic.

Genetics and Molecular Pathology, SA Pathology
Classification: Uncertain significance for Neuronopathy, distal hereditary motor, autosomal recessive 8. Last evaluated: 2022-10-17. Review status: criteria provided, single submitter. Criteria: ACMG Guidelines, 2015. Collection method: clinical testing. Allele origin: germline. Inheritance: Autosomal recessive inheritance. Affected: yes.
Comment: The SORD c.553G>A variant is classified as a VARIANT of UNCERTAIN SIGNFICANCE (PS4_Moderate, PP3) The SORD c.553G>A variant is a single nucleotide change in exon 6/9 of the SORD gene, which is predicted to change the amino acid glycine at position 185 in the protein to arginine. The variant has been reported in a patient with hereditary neuropathy in combination with the recurrent pathogenic NM_003104.6(SORD):c.757del;p.(Ala253Glnfs*27) variant, although they were unable to determine phase (PMID:33875678) (PS4_moderate). Computational predictions support a deleterious effect on the gene or gene product (PP3). The variant has been reported in dbSNP (rs753424622) and in the HGMD database: CM217814. It has not been reported in ClinVar.

Literature cited by the submitters: PubMed 33875678 (cited by Ambry Genetics and Genetics and Molecular Pathology, SA Pathology); PubMed 36943151 (cited by Ambry Genetics).

NM_003104.6(SORD):c.553G>A (p.Gly185Arg)

Gene: SORD (sorbitol dehydrogenase; plus strand). Cytogenetic location: 15q21.1.
Variant type: single nucleotide variant.
Coding change: c.553G>A on transcript NM_003104.6 (MANE Select); coding-DNA position 553, G replaced by A.
Protein change: p.Gly185Arg; replaces glycine 185 with arginine.
Molecular consequence: missense variant. On other transcripts: non-coding transcript variant (1).
Genome position (GRCh38, 1-based): chr15:45,068,189, G>A. VCF-style: chr15-45068189-G-A. GRCh37 (hg19) VCF-style: chr15-45360387-G-A.
Other names: c.553G>A (NM_003104.5); short protein forms G185R.
Identifiers: ClinVar variation 2664713 (VCV002664713.2), dbSNP rs753424622, ClinGen allele CA7537237.